The following is an entry in ClinVar:

ClinVar aggregate classification (germline): Uncertain significance (1 of 4 stars; one submission).

Submission:

Ambry Genetics
Classification: Uncertain significance. Last evaluated: 2025-08-01. Review status: criteria provided, single submitter. Criteria: Ambry Variant Classification Scheme 2023. Collection method: clinical testing. Allele origin: germline.
Comment: The p.T665R variant (also known as c.1994C>G), located in coding exon 1 of the TET2 gene, results from a C to G substitution at nucleotide position 1994. The threonine at codon 665 is replaced by arginine, an amino acid with similar properties. This amino acid position is conserved. In addition, this alteration is predicted to be tolerated by in silico analysis. Based on the available evidence, the clinical significance of this variant remains unclear.

NM_001127208.3(TET2):c.1994C>G (p.Thr665Arg)

Genes: TET2 (tet methylcytosine dioxygenase 2; plus strand), TET2-AS1 (TET2 antisense RNA 1; minus strand). Cytogenetic location: 4q24.
Variant type: single nucleotide variant.
Coding change: c.1994C>G on transcript NM_001127208.3 (MANE Select); coding-DNA position 1994, C replaced by G.
Protein change: p.Thr665Arg; replaces threonine 665 with arginine.
Molecular consequence: missense variant.
Genome position (GRCh38, 1-based): chr4:105,235,936, C>G. VCF-style: chr4-105235936-C-G. GRCh37 (hg19) VCF-style: chr4-106157093-C-G.
Other names: c.1994C>G, p.Thr665Arg (NM_017628.4); short protein forms T665R.
Identifiers: ClinVar variation 4182998 (VCV004182998.1).